The following is an entry in ClinVar:

ClinVar aggregate classification (germline): Uncertain significance (1 of 4 stars; one submission).

Conditions:
Cardiovascular phenotype. Identifiers: MedGen CN230736.

Submission:

Ambry Genetics
Classification: Uncertain significance for Cardiovascular phenotype. Last evaluated: 2024-11-17. Review status: criteria provided, single submitter. Criteria: Ambry Variant Classification Scheme 2023. Collection method: clinical testing. Allele origin: germline.
Comment: The p.H1842Q variant (also known as c.5526C>A), located in coding exon 38 of the ANK2 gene, results from a C to A substitution at nucleotide position 5526. The histidine at codon 1842 is replaced by glutamine, an amino acid with highly similar properties. This amino acid position is conserved. In addition, this alteration is predicted to be tolerated by in silico analysis. Based on the available evidence, the clinical significance of this variant remains unclear.

NM_001148.6(ANK2):c.5526C>A (p.His1842Gln)

Genes: ANK2 (ankyrin 2; plus strand), LOC126807136 (MED14-independent group 3 enhancer GRCh37_chr4:114274931-114276130; plus strand). Cytogenetic location: 4q26.
Variant type: single nucleotide variant.
Coding change: c.5526C>A on transcript NM_001148.6 (MANE Select); coding-DNA position 5526, C replaced by A.
Protein change: p.His1842Gln; replaces histidine 1842 with glutamine.
Molecular consequence: missense variant. On other transcripts: intron variant (68).
Genome position (GRCh38, 1-based): chr4:113,354,144, C>A. VCF-style: chr4-113354144-C-A. GRCh37 (hg19) VCF-style: chr4-114275300-C-A.
Other names: c.5292C>A, p.His1764Gln (NM_001386142.1); c.1926C>A, p.His642Gln (NM_001386166.1); c.5667C>A, p.His1889Gln (NM_001386174.1); c.5643C>A, p.His1881Gln (NM_001386175.1); c.4411+3895C>A (NM_001386186.2, NM_001386148.2); c.4213+3895C>A (NM_001354269.3); c.4291+3895C>A (NM_001386187.2); c.4252+3895C>A (NM_001386147.1); and 35 more; short protein forms H1842Q, H1889Q, H1764Q, H1881Q, H642Q.
Identifiers: ClinVar variation 3540549 (VCV003540549.1).
Genomic context (GRCh38, chr4:113,354,144, plus strand): 5'-TCCCTCCCCTAAAACAGAAAGACACTCTACTCTTTCCTCTTCCGCAAAAACTGAAAGGCA[C>A]CCTCCAGTATCACCATCAAGTAAAACTGAGAAACACTCACCTGTGTCACCCTCTGCAAAA-3'
Protein context (NP_001139.3, residues 1832-1852): TLSSSAKTER[His1842Gln]PPVSPSSKTE